The following is an entry in ClinVar:

ClinVar aggregate classification (germline): Uncertain significance (1 of 4 stars; one submission).

Conditions:
Dyskeratosis congenita. Identifiers: Orphanet 1775, MedGen C0265965, MONDO:0015780.

gnomAD v4.1: 4 of 1,614,180 alleles (0.00025%); highest among the groups gnomAD compares: Non-Finnish European, 0.00034%; no homozygotes.

Submission:

Labcorp Genetics (formerly Invitae), Labcorp
Classification: Uncertain significance for Dyskeratosis congenita. Last evaluated: 2024-12-08. Review status: criteria provided, single submitter. Criteria: Invitae Variant Classification Sherloc (09022015). Collection method: clinical testing. Allele origin: germline.
Comment: This sequence change replaces cysteine, which is neutral and slightly polar, with phenylalanine, which is neutral and non-polar, at codon 442 of the TINF2 protein (p.Cys442Phe). This variant is not present in population databases (gnomAD no frequency). This variant has not been reported in the literature in individuals affected with TINF2-related conditions. An algorithm developed to predict the effect of missense changes on protein structure and function (PolyPhen-2) suggests that this variant is likely to be tolerated. In summary, the available evidence is currently insufficient to determine the role of this variant in disease. Therefore, it has been classified as a Variant of Uncertain Significance.

NM_001099274.3(TINF2):c.1325G>T (p.Cys442Phe)

Gene: TINF2 (TERF1 interacting nuclear factor 2; minus strand). Cytogenetic location: 14q12.
Variant type: single nucleotide variant.
Coding change: c.1325G>T on transcript NM_001099274.3 (MANE Select); coding-DNA position 1325, G replaced by T.
Protein change: p.Cys442Phe; replaces cysteine 442 with phenylalanine.
Molecular consequence: missense variant. On other transcripts: 3 prime UTR variant (1).
Genome position (GRCh38, 1-based): chr14:24,239,828, C>A on the plus strand (G>T on the coding strand, the complement: TINF2 is on the minus strand). VCF-style: chr14-24239828-C-A. GRCh37 (hg19) VCF-style: chr14-24709034-C-A.
Other names: c.1220G>T, p.Cys407Phe (NM_001363668.2); c.*587G>T (NM_012461.3); short protein forms C407F, C442F.
Identifiers: ClinVar variation 3726898 (VCV003726898.2).